The following is an entry in ClinVar:

NM_006785.4(MALT1):c.377-3_377-2del

Gene: MALT1 (MALT1 paracaspase; plus strand). Cytogenetic location: 18q21.32.
Variant type: Deletion.
Coding change: c.377-3_377-2del on transcript NM_006785.4 (MANE Select); 3 bases into the intron before coding-DNA position 377 through the canonical splice acceptor site of the intron before coding-DNA position 377, 2 bases deleted (TA; older notation c.377-3_377-2delTA).
Molecular consequence: splice acceptor variant.
Genome position (GRCh38, 1-based): chr18:58,696,363-58,696,364, TA deleted. VCF-style (leftmost placement, unchanged base first): chr18-58696362-TTA-T. GRCh37 (hg19) VCF-style: chr18-56363594-TTA-T.
Other names: c.377-3_377-2del (NM_173844.3).
Identifiers: ClinVar variation 4880108 (VCV004880108.1).

ClinVar aggregate classification (germline): Likely pathogenic (1 of 4 stars; one submission).

Conditions:
Primary ciliary dyskinesia. Also called: Ciliary dyskinesia. Identifiers: Orphanet 244, MedGen C0008780, MONDO:0016575, HP:0012265.

Submission:

Department of Human Genetics, Hannover Medical School
Classification: Likely pathogenic for Primary Ciliary Dyskinesia. Last evaluated: 2026-04-01. Review status: criteria provided, single submitter. Criteria: ACMG Guidelines, 2015. Collection method: research. Allele origin: germline. Affected: no.
Comment: Classification performed by HerediClassify using the following criteria:['PM2_supporting: Variant occures does not occur as homozygous in gnomAD.', 'PVS1_splicing_very_strong: Transcript ENST00000649217 undergoes NMD.']